The following is an entry in ClinVar:

ClinVar aggregate classification (germline): Uncertain significance (1 of 4 stars; one submission).

Submission:

CeGaT Center for Human Genetics Tuebingen
Classification: Uncertain significance. Last evaluated: 2025-02-01. Review status: criteria provided, single submitter. Criteria: CeGaT Center For Human Genetics Tuebingen Variant Classification Criteria Version 2. Collection method: clinical testing. Allele origin: germline. Affected: yes. Observed: 1 variant allele.
Comment: CACNA1A: PM2, BP4

NM_001127222.2(CACNA1A):c.6527-8C>G

Gene: CACNA1A (calcium voltage-gated channel subunit alpha1 A; minus strand). Cytogenetic location: 19p13.13.
Variant type: single nucleotide variant.
Coding change: c.6527-8C>G on transcript NM_001127222.2 (MANE Select); 8 bases into the intron before coding-DNA position 6527, C replaced by G.
Molecular consequence: intron variant.
Genome position (GRCh38, 1-based): chr19:13,209,017, G>C on the plus strand (C>G on the coding strand, the complement: CACNA1A is on the minus strand). VCF-style: chr19-13209017-G-C. GRCh37 (hg19) VCF-style: chr19-13319831-G-C.
Other names: c.6530-8C>G (NM_001127221.2); c.6536-8C>G (NM_001174080.2); c.6545-8C>G (NM_000068.4, NM_023035.3).
Identifiers: ClinVar variation 3772464 (VCV003772464.13).